The following is an entry in ClinVar:

ClinVar aggregate classification (germline): Likely pathogenic (1 of 4 stars; one submission).

Conditions:
Hypertrophic cardiomyopathy. Also called: HYPERTROPHIC MYOCARDIOPATHY. Identifiers: Orphanet 217569, MedGen C0007194, MeSH D002312, MONDO:0005045, HP:0001639.

Submission:

Labcorp Genetics (formerly Invitae), Labcorp
Classification: Likely pathogenic for Hypertrophic cardiomyopathy. Last evaluated: 2019-04-23. Review status: criteria provided, single submitter. Criteria: Invitae Variant Classification Sherloc (09022015). Collection method: clinical testing. Allele origin: germline.
Comment: This variant is a deletion of the genomic region encompassing exons 13-25 and part of exon 12 (c.1037_2602+186del) of the MYBPC3 gene. It is expected to disrupt RNA splicing and likely results in an absent or disrupted protein product. This variant has not been reported in the literature in individuals with MYBPC3-related conditions. Loss-of-function variants in MYBPC3 are known to be pathogenic (PMID: 19574547). In summary, the currently available evidence indicates that the variant is pathogenic, but additional data are needed to prove that conclusively. Therefore, this variant has been classified as Likely Pathogenic.

Literature cited by the submitters: PubMed 19574547.

NC_000011.9:g.(?_47358756)_47367811del

Gene: MYBPC3 (myosin binding protein C3; minus strand).
Variant type: Deletion.
Identifiers: ClinVar variation 1067413 (VCV001067413.2).